The following is an entry in ClinVar:

NM_001379180.1(ESRRB):c.924C>A (p.Gly308=)

Gene: ESRRB (estrogen related receptor beta; plus strand). Cytogenetic location: 14q24.3.
Variant type: single nucleotide variant.
Coding change: c.924C>A on transcript NM_001379180.1 (MANE Select); coding-DNA position 924, C replaced by A.
Protein change: p.Gly308=; no amino-acid change (glycine 308 retained).
Molecular consequence: synonymous variant.
Genome position (GRCh38, 1-based): chr14:76,491,520, C>A. VCF-style: chr14-76491520-C-A. GRCh37 (hg19) VCF-style: chr14-76957863-C-A.
Other names: c.861C>A, p.Gly287= (NM_004452.4).
Identifiers: ClinVar variation 504569 (VCV000504569.7), dbSNP rs148356050, ClinGen allele CA7281726.

ClinVar aggregate classification (germline): Conflicting classifications of pathogenicity. Review status: criteria provided, conflicting classifications (1 of 4 stars). 2 submissions from 2 submitters: Uncertain significance (1); Likely benign (1). Last evaluated 2026-10-01.

Allele frequency attached by ClinVar (database versions not stated): TOPMed 0.00003; gnomAD 0.00006 and 0.00007; ExAC 0.00009; ESP Exome Variant Server 0.00023; gnomAD exomes 0.00004.
gnomAD v4.1: 93 of 1,600,560 alleles (0.0058%); highest among the groups gnomAD compares: Non-Finnish European, 0.0076%; no homozygotes.

Submissions (2):

GeneDx
Classification: Uncertain significance. Last evaluated: 2026-10-01. Review status: criteria provided, single submitter. Criteria: GeneDx Variant Classification Process June 2021. Collection method: clinical testing. Allele origin: germline.
Comment: In silico analysis suggests that this variant does not alter splicing; Has not been previously published as pathogenic or benign to our knowledge

Laboratory for Molecular Medicine, Mass General Brigham Personalized Medicine
Classification: Likely benign. Last evaluated: 2016-05-10. Review status: criteria provided, single submitter. Criteria: LMM Criteria. Collection method: clinical testing. Allele origin: germline. Observed: 1 variant allele.
Comment: p.Gly287Gly in Exon 8 of ESRRB: This variant is not expected to have clinical si gnificance because it does not alter an amino acid residue, is not located withi n the splice consensus sequence, and has been identified in 1/6140 Latino chromo somes, 1/7364 African chromosomes, and 5/45460 European chromosomes by the Exome Aggregation Consortium (ExAC; dbSNP rs148356050 ).